The following is an entry in ClinVar:

NM_001267550.2(TTN):c.14513_14517del (p.Pro4837_Ser4838insTer)

Gene: TTN (titin; minus strand). Cytogenetic location: 2q31.2.
Variant type: Deletion.
Coding change: c.14513_14517del on transcript NM_001267550.2 (MANE Select); coding-DNA positions 14513 to 14517, 5 bases deleted (CACCT; older notation c.14513_14517delCACCT).
Protein change: p.Pro4837_Ser4838insTer.
Molecular consequence: nonsense. On other transcripts: intron variant (3).
Genome position (GRCh38, 1-based): chr2:178,735,929-178,735,933, AGGTG deleted on the plus strand (CACCT on the coding strand, the reverse complement: TTN is on the minus strand); deleting any 5 consecutive bases within chr2:178,735,929-178,735,934 gives the same sequence; the c. name uses the placement nearest the transcript's 3' end. VCF-style (leftmost placement, unchanged base first): chr2-178735928-TAGGTG-T. GRCh37 (hg19) VCF-style: chr2-179600655-TAGGTG-T.
Other names: c.13562_13566del, p.Pro4520_Ser4521insTer (NM_001256850.1); c.10781_10785del, p.Pro3593_Ser3594insTer (NM_133378.4); c.13282+2149_13282+2153del (NM_003319.4); c.13858+2149_13858+2153del (NM_133437.4); c.13657+2149_13657+2153del (NM_133432.3).
Identifiers: ClinVar variation 1434375 (VCV001434375.6), dbSNP rs2154314476, ClinGen allele CA2573133975.

ClinVar aggregate classification (germline): Likely pathogenic (1 of 4 stars; one submission).

Conditions:
Dilated cardiomyopathy 1G (CMD1G). Identifiers: Orphanet 154, MedGen C1858763, MONDO:0011400, OMIM 604145.
Autosomal recessive limb-girdle muscular dystrophy type 2J (LGMDR10). Also called: MUSCULAR DYSTROPHY, LIMB-GIRDLE, AUTOSOMAL RECESSIVE 10; Limb-girdle muscular dystrophy, type 2J. Identifiers: Orphanet 140922, MedGen C1837342, MONDO:0012127, OMIM 608807.

Submission:

Labcorp Genetics (formerly Invitae), Labcorp
Classification: Likely pathogenic for Dilated cardiomyopathy 1G; Autosomal recessive limb-girdle muscular dystrophy type 2J. Last evaluated: 2024-10-18. Review status: criteria provided, single submitter. Criteria: Invitae Variant Classification Sherloc (09022015). Collection method: clinical testing. Allele origin: germline.
Comment: This sequence change creates a premature translational stop signal (p.Ser4838*) in the TTN gene. While this is not anticipated to result in nonsense mediated decay, it is expected to create a truncated TTN protein. This variant is not present in population databases (gnomAD no frequency). This variant has not been reported in the literature in individuals affected with TTN-related conditions. ClinVar contains an entry for this variant (Variation ID: 1434375). This variant is located in the I band of TTN (PMID: 25589632). Truncating variants in this region have been reported in individuals affected with autosomal recessive centronuclear myopathy (PMID: 23975875, internal data). Truncating variants in this region have also been identified in individuals affected with autosomal dominant dilated cardiomyopathy and/or cardio-related conditions (PMID: 27869827, 32964742, internal data). In summary, the currently available evidence indicates that the variant is pathogenic, but additional data are needed to prove that conclusively. Therefore, this variant has been classified as Likely Pathogenic.

Literature cited by the submitters: PubMed 25589632; PubMed 23975875; PubMed 27869827; PubMed 32964742.